The following is an entry in ClinVar:

NM_001164508.2(NEB):c.15387C>T (p.Phe5129=)

Gene: NEB (nebulin; minus strand). Cytogenetic location: 2q23.3.
Variant type: single nucleotide variant.
Coding change: c.15387C>T on transcript NM_001164508.2 (MANE Select); coding-DNA position 15387, C replaced by T.
Protein change: p.Phe5129=; no amino-acid change (phenylalanine 5129 retained).
Molecular consequence: synonymous variant. On other transcripts: intron variant (1).
Genome position (GRCh38, 1-based): chr2:151,587,437, G>A on the plus strand (C>T on the coding strand, the complement: NEB is on the minus strand). VCF-style: chr2-151587437-G-A. GRCh37 (hg19) VCF-style: chr2-152443951-G-A.
Other names: c.15387C>T, p.Phe5129= (NM_001164507.2, NM_001271208.2); c.11602-11083C>T (NM_004543.5).
Identifiers: ClinVar variation 384277 (VCV000384277.1), dbSNP rs1057521909, ClinGen allele CA16603955.

ClinVar aggregate classification (germline): Likely benign (1 of 4 stars; one submission).

Submission:

GeneDx
Classification: Likely benign. Last evaluated: 2016-03-09. Review status: criteria provided, single submitter. Criteria: GeneDx Variant Classification (06012015). Collection method: clinical testing. Allele origin: germline. Affected: yes.
Comment: This variant is considered likely benign or benign based on one or more of the following criteria: it is a conservative change, it occurs at a poorly conserved position in the protein, it is predicted to be benign by multiple in silico algorithms, and/or has population frequency not consistent with disease.